The following is an entry in ClinVar:

NM_201550.4(LRRC10):c.537_540del (p.Asp181fs)

Gene: LRRC10 (leucine rich repeat containing 10; minus strand). Cytogenetic location: 12q15.
Variant type: Deletion.
Coding change: c.537_540del on transcript NM_201550.4 (MANE Select); coding-DNA positions 537 to 540, 4 bases deleted (AACT; older notation c.537_540delAACT).
Protein change: p.Asp181fs; shifts the reading frame from aspartic acid 181.
Molecular consequence: frameshift variant.
Genome position (GRCh38, 1-based): chr12:69,610,299-69,610,302, AGTT deleted on the plus strand (AACT on the coding strand, the reverse complement: LRRC10 is on the minus strand); deleting any 4 consecutive bases within chr12:69,610,299-69,610,304 gives the same sequence; the c. name uses the placement nearest the transcript's 3' end. VCF-style (leftmost placement, unchanged base first): chr12-69610298-CAGTT-C. GRCh37 (hg19) VCF-style: chr12-70004078-CAGTT-C.
Other names: short protein forms D181fs.
Identifiers: ClinVar variation 944377 (VCV000944377.6), dbSNP rs944526586, ClinGen allele CA239126569.

ClinVar aggregate classification (germline): Uncertain significance (1 of 4 stars; one submission).

Submission:

Labcorp Genetics (formerly Invitae), Labcorp
Classification: Uncertain significance. Last evaluated: 2025-12-16. Review status: criteria provided, single submitter. Criteria: Invitae Variant Classification Sherloc (09022015). Collection method: clinical testing. Allele origin: germline.
Comment: This sequence change creates a premature translational stop signal (p.Asp181Phefs*13) in the LRRC10 gene. While this is not anticipated to result in nonsense mediated decay, it is expected to disrupt the last 97 amino acid(s) of the LRRC10 protein. This variant is present in population databases (no rsID available, gnomAD 0.002%). This variant has not been reported in the literature in individuals affected with LRRC10-related conditions. ClinVar contains an entry for this variant (Variation ID: 944377). Experimental studies and prediction algorithms are not available or were not evaluated, and the functional significance of this variant is currently unknown. In summary, the available evidence is currently insufficient to determine the role of this variant in disease. Therefore, it has been classified as a Variant of Uncertain Significance.